The following is an entry in ClinVar:

ClinVar aggregate classification (germline): Uncertain significance. Review status: criteria provided, multiple submitters, no conflicts (2 of 4 stars). 3 submissions from 3 submitters: Uncertain significance (3). Last evaluated 2024-04-16.

Conditions:
Mitochondrial complex I deficiency, nuclear type 1. Also called: NADH-COENZYME Q REDUCTASE DEFICIENCY; MITOCHONDRIAL NADH DEHYDROGENASE COMPONENT OF COMPLEX I, DEFICIENCY OF. Identifiers: MedGen C6022305, MONDO:0100224, OMIM 252010.
Inborn genetic diseases. Identifiers: MedGen C0950123, MeSH D030342.

Allele frequency attached by ClinVar (database versions not stated): gnomAD exomes below 0.00001 and 0.00001; TOPMed below 0.00001; ExAC 0.00001.
gnomAD v4.1: 6 of 1,614,164 alleles (0.00037%); highest among the groups gnomAD compares: Non-Finnish European, 0.00051%; no homozygotes.

Submissions (3):

Ambry Genetics
Classification: Uncertain significance for Inborn genetic diseases. Last evaluated: 2024-04-16. Review status: criteria provided, single submitter. Criteria: Ambry Variant Classification Scheme 2023. Collection method: clinical testing. Allele origin: germline.

GeneDx
Classification: Uncertain significance. Last evaluated: 2022-10-26. Review status: criteria provided, single submitter. Criteria: GeneDx Variant Classification Process June 2021. Collection method: clinical testing. Allele origin: germline. Affected: yes.
Comment: Not observed at significant frequency in large population cohorts (gnomAD); In silico analysis supports that this missense variant has a deleterious effect on protein structure/function; Has not been previously published as pathogenic or benign to our knowledge

Baylor Genetics
Classification: Uncertain significance for Mitochondrial complex I deficiency, nuclear type 1. Last evaluated: 2019-07-21. Review status: criteria provided, single submitter. Criteria: ACMG Guidelines, 2015. Collection method: clinical testing. Allele origin: unknown. Affected: yes.
Comment: This variant was determined to be of uncertain significance according to ACMG Guidelines, 2015 [PMID:25741868].

NM_005006.7(NDUFS1):c.1624C>T (p.Pro542Ser)

Gene: NDUFS1 (NADH:ubiquinone oxidoreductase core subunit S1; minus strand). Cytogenetic location: 2q33.3.
Variant type: single nucleotide variant.
Coding change: c.1624C>T on transcript NM_005006.7 (MANE Select); coding-DNA position 1624, C replaced by T.
Protein change: p.Pro542Ser; replaces proline 542 with serine.
Molecular consequence: missense variant.
Genome position (GRCh38, 1-based): chr2:206,130,172, G>A on the plus strand (C>T on the coding strand, the complement: NDUFS1 is on the minus strand). VCF-style: chr2-206130172-G-A. GRCh37 (hg19) VCF-style: chr2-206994896-G-A.
Other names: c.1624C>T (NM_005006.5); c.1516C>T, p.Pro506Ser (NM_001199981.2); c.1291C>T, p.Pro431Ser (NM_001199982.2); c.1453C>T, p.Pro485Ser (NM_001199983.2); c.1666C>T, p.Pro556Ser (NM_001199984.2); short protein forms P506S, P542S, P556S, P431S, P485S.
Identifiers: ClinVar variation 1030869 (VCV001030869.3), dbSNP rs762228459, ClinGen allele CA2070387.